The following is an entry in ClinVar:

ClinVar aggregate classification (germline): Uncertain significance (1 of 4 stars; one submission).

Conditions:
C3 glomerulonephritis. Also called: C3 GLOMERULOPATHY 3; Nephropathy due to CFHR5 Deficiency. Identifiers: Orphanet 329931, MedGen C4055342, MONDO:0013892, OMIM 614809.

Submission:

Genomenon, Inc
Classification: Uncertain significance for C3 glomerulonephritis. Last evaluated: 2025-09-30. Review status: criteria provided, single submitter. Criteria: Genomenon Sequence Variant Interpretation Standards. Collection method: curation. Allele origin: germline. Affected: yes.
Comment: C3 p.Cys1518Arg (c.4552T>C) is a missense variant that changes the amino acid at residue 1518 from Cysteine to Arginine. This variant has been observed in at least one proband affected with C3 glomerulonephritis (PMID:26895476). It is absent or not present at a significant frequency in gnomAD. In silico models agree that this variant is possibly or probably damaging. In conclusion, we classify C3 p.Cys1518Arg (c.4552T>C) as a variant of unknown significance.

Literature cited by the submitters: PubMed 26895476.

NM_000064.4(C3):c.4552T>C (p.Cys1518Arg)

Gene: C3 (complement C3; minus strand). Cytogenetic location: 19p13.3.
Variant type: single nucleotide variant.
Coding change: c.4552T>C on transcript NM_000064.4 (MANE Select); coding-DNA position 4552, T replaced by C.
Protein change: p.Cys1518Arg; replaces cysteine 1518 with arginine.
Molecular consequence: missense variant.
Genome position (GRCh38, 1-based): chr19:6,679,203, A>G on the plus strand (T>C on the coding strand, the complement: C3 is on the minus strand). VCF-style: chr19-6679203-A-G. GRCh37 (hg19) VCF-style: chr19-6679214-A-G.
Other names: short protein forms C1518R.
Identifiers: ClinVar variation 4280235 (VCV004280235.1).
Genomic context (GRCh38, chr19:6,679,203, plus strand): 5'-CACAGGCCTTGTCCAGCCGTTCTTCCAGGGTGACCTTGTCATCCGACTTTTGTATGAAGC[A>G]ATTCTCTGCAGGGTGGGGTGGAGACAGGGTCTAAGTCCCACTCCTTATCTGGGGCCTACT-3'
Protein context (NP_000055.2, residues 1508-1528): DELCRCAEEN[Cys1518Arg]FIQKSDDKVT